The following is an entry in ClinVar:

ClinVar aggregate classification (germline): Conflicting classifications of pathogenicity. Review status: criteria provided, conflicting classifications (1 of 4 stars). 10 submissions from 10 submitters: Uncertain significance (9); Likely benign (1). Last evaluated 2026-01-28.

Conditions:
Inborn genetic diseases. Identifiers: MedGen C0950123, MeSH D030342.
PRF1-related disorder. Also called: PRF1-related condition.
Familial hemophagocytic lymphohistiocytosis 2 (FHL2). Also called: PRF1-Related Familial Hemophagocytic Lymphohistiocytosis (PRF1-fHLH). Identifiers: Orphanet 540, MedGen C1863727, MONDO:0011337, OMIM 603553.
Lymphoma, non-Hodgkin, familial. Identifiers: MedGen C4721532, MONDO:0011508, OMIM 605027.
Aplastic anemia. Identifiers: Orphanet 182040, Orphanet 88, MedGen C0002874, MONDO:0015909, OMIM 609135, HP:0001915.

Allele frequency attached by ClinVar (database versions not stated): gnomAD 0.00029; TOPMed 0.00037; ESP Exome Variant Server 0.00046.
gnomAD v4.1: 622 of 1,614,056 alleles (0.039%); highest among the groups gnomAD compares: Admixed American, 0.053%; no homozygotes.

Submissions (10):

Labcorp Genetics (formerly Invitae), Labcorp
Classification: Likely benign for Familial hemophagocytic lymphohistiocytosis 2. Last evaluated: 2026-01-28. Review status: criteria provided, single submitter. Criteria: Invitae Variant Classification Sherloc (09022015). Collection method: clinical testing. Allele origin: germline.

PreventionGenetics, part of Exact Sciences
Classification: Uncertain significance for PRF1-related condition. Last evaluated: 2025-03-21. Review status: criteria provided, single submitter. Criteria: ACMG Guidelines, 2015. Collection method: clinical testing. Allele origin: germline.
Comment: The PRF1 c.1000G>A variant is predicted to result in the amino acid substitution p.Gly334Ser. This variant has been reported in an individual with familial hemophagocytic lymphohistiocytosis; however, no additional information was provided on the zygosity or identification of a second causative variant (Poltavets et al. 2008. PubMed ID: 19484379). It has also been reported in the heterozygous state in an individual at high risk for breast and/or ovarian cancer; the clinical significance of the variant was considered uncertain (Table S4, Maxwell et al. 2016. PubMed ID: 27153395). This variant is reported in 0.23% of alleles in individuals of Ashkenazi Jewish descent in gnomAD. At this time, the clinical significance of this variant is uncertain due to the absence of conclusive functional and genetic evidence.

Blueprint Genetics
Classification: Uncertain significance. Last evaluated: 2024-10-18. Review status: criteria provided, single submitter. Criteria: ACMG Guidelines, 2015. Collection method: clinical testing. Allele origin: germline.

GeneDx
Classification: Uncertain significance. Last evaluated: 2024-06-21. Review status: criteria provided, single submitter. Criteria: GeneDx Variant Classification Process June 2021. Collection method: clinical testing. Allele origin: germline. Affected: yes.
Comment: In silico analysis indicates that this missense variant does not alter protein structure/function; Reported in study on families with breast cancer, however segregation and clinical information were not provided (PMID: 27153395); This variant is associated with the following publications: (PMID: 34426522, 19484379, 23592409, 27153395)

3billion
Classification: Uncertain significance for Familial hemophagocytic lymphohistiocytosis 2. Last evaluated: 2024-01-23. Review status: criteria provided, single submitter. Criteria: ACMG Guidelines, 2015. Collection method: clinical testing. Allele origin: germline. Affected: yes.
Comment: The variant is observed at an extremely low frequency in the gnomAD v2.1.1 dataset (total allele frequency: 0.043%). Predicted Consequence/Location: Missense variant In silico tool predictions suggest damaging effect of the variant on gene or gene product [REVEL: 0.44 (>=0.6, sensitivity 0.68 and specificity 0.92); 3Cnet: 0.91 (>=0.6, sensitivity 0.72 and precision 0.9)]. Same nucleotide change resulting in same amino acid change has been previously reported to be associated with PRF1-related disorder (PMID: 19484379). However, the evidence of pathogenicity is insufficient at this time (ClinVar: VCV000536223) Therefore, this variant is classified as VUS according to the recommendation of ACMG/AMP guideline.

Women's Health and Genetics/Laboratory Corporation of America, LabCorp
Classification: Uncertain significance. Last evaluated: 2023-11-10. Review status: criteria provided, single submitter. Criteria: LabCorp Variant Classification Summary - May 2015. Collection method: clinical testing. Allele origin: germline.
Comment: Variant summary: PRF1 c.1000G>A (p.Gly334Ser) results in a non-conservative amino acid change located in the Membrane attack complex component/perforin (MACPF) domain (IPR020864) of the encoded protein sequence. Four of five in-silico tools predict a benign effect of the variant on protein function. The variant allele was found at a frequency of 0.00045 in 251062 control chromosomes (gnomAD). This frequency is not significantly higher than estimated for a pathogenic variant in PRF1 causing Familial Hemophagocytic Lymphohistiocytosis (0.00045 vs 0.0027), allowing no conclusion about variant significance. c.1000G>A has been reported in the literature in an individual(s) affected with Familial Hemophagocytic Lymphohistiocytosis without strong evidence of causality (Poltavets_2008). This report does not provide unequivocal conclusions about association of the variant with Familial Hemophagocytic Lymphohistiocytosis. To our knowledge, no experimental evidence demonstrating an impact on protein function has been reported. The following publication has been ascertained in the context of this evaluation (PMID: 19484379). Four submitters have cited clinical-significance assessments for this variant to ClinVar after 2014, and classified it as uncertain significance (n=3) or likely benign (n=1). Based on the evidence outlined above, the variant was classified as uncertain significance.

Institute for Clinical Genetics, University Hospital TU Dresden, University Hospital TU Dresden
Classification: Uncertain significance. Last evaluated: 2021-11-03. Review status: criteria provided, single submitter. Criteria: ACMG Guidelines, 2015. Collection method: clinical testing. Allele origin: germline.

Ambry Genetics
Classification: Uncertain significance for Inborn genetic diseases. Last evaluated: 2021-06-29. Review status: criteria provided, single submitter. Criteria: Ambry Variant Classification Scheme 2023. Collection method: clinical testing. Allele origin: germline.

Department of Pathology and Laboratory Medicine, Sinai Health System
Classification: Uncertain significance for Familial hemophagocytic lymphohistiocytosis 2; Lymphoma, non-Hodgkin, familial; Aplastic anemia. Last evaluated: 2020-07-09. Review status: criteria provided, single submitter. Criteria: ACMG Guidelines, 2015. Collection method: research. Allele origin: germline.

Illumina Laboratory Services, Illumina
Classification: Uncertain significance for Familial hemophagocytic lymphohistiocytosis 2. Last evaluated: 2017-04-28. Review status: criteria provided, single submitter. Criteria: ICSL Variant Classification Criteria 13 December 2019. Collection method: clinical testing. Allele origin: germline.
Comment: This variant was observed as part of a predisposition screen in an ostensibly healthy population. A literature search was performed for the gene, cDNA change, and amino acid change (where applicable). Publications were found based on this search. However, the evidence from the literature, in combination with allele frequency data from public databases where available, was not sufficient to rule this variant in or out of causing disease. Therefore, this variant is classified as a variant of unknown significance.

Literature cited by the submitters: PubMed 19484379 (cited by 3billion); PubMed 23592409 (cited by Illumina Laboratory Services, Illumina).

NM_001083116.3(PRF1):c.1000G>A (p.Gly334Ser)

Gene: PRF1 (perforin 1; minus strand). Cytogenetic location: 10q22.1.
Variant type: single nucleotide variant.
Coding change: c.1000G>A on transcript NM_001083116.3 (MANE Select); coding-DNA position 1000, G replaced by A.
Protein change: p.Gly334Ser; replaces glycine 334 with serine.
Molecular consequence: missense variant.
Genome position (GRCh38, 1-based): chr10:70,598,721, C>T on the plus strand (G>A on the coding strand, the complement: PRF1 is on the minus strand). VCF-style: chr10-70598721-C-T. GRCh37 (hg19) VCF-style: chr10-72358477-C-T.
Other names: c.1000G>A, p.Gly334Ser (NM_005041.6); short protein forms G334S.
Identifiers: ClinVar variation 536223 (VCV000536223.26), dbSNP rs145463632, ClinGen allele CA5538854.